The following is an entry in ClinVar:

NM_000492.4(CFTR):c.1999C>T (p.His667Tyr)

Gene: CFTR (CF transmembrane conductance regulator; plus strand). Cytogenetic location: 7q31.2.
Variant type: single nucleotide variant.
Coding change: c.1999C>T on transcript NM_000492.4 (MANE Select); coding-DNA position 1999, C replaced by T.
Protein change: p.His667Tyr; replaces histidine 667 with tyrosine.
Molecular consequence: missense variant.
Genome position (GRCh38, 1-based): chr7:117,592,166, C>T. VCF-style: chr7-117592166-C-T. GRCh37 (hg19) VCF-style: chr7-117232220-C-T.
Other names: short protein forms H667Y.
Identifiers: ClinVar variation 2562531 (VCV002562531.3), dbSNP rs1387601608, ClinGen allele CA368979167.
Genomic context (GRCh38, chr7:117,592,166, plus strand): 5'-TGTGATTCTTTCGACCAATTTAGTGCAGAAAGAAGAAATTCAATCCTAACTGAGACCTTA[C>T]ACCGTTTCTCATTAGAAGGAGATGCTCCTGTCTCCTGGACAGAAACAAAAAAACAATCTT-3'
Protein context (NP_000483.3, residues 657-677): RRNSILTETL[His667Tyr]RFSLEGDAPV

ClinVar aggregate classification (germline): Uncertain significance. Review status: criteria provided, multiple submitters, no conflicts (2 of 4 stars). 2 submissions from 2 submitters: Uncertain significance (2). Last evaluated 2026-04-14.

Conditions:
Cystic fibrosis (CF). Also called: MUCOVISCIDOSIS. Identifiers: Orphanet 586, MedGen C0010674, MONDO:0009061, OMIM 219700. Disease mechanism: loss of function.

Allele frequency attached by ClinVar (database versions not stated): gnomAD exomes below 0.00001.
gnomAD v4.1: 1 of 1,613,928 alleles (0.000062%); highest among the groups gnomAD compares: Middle Eastern, 0.016%; no homozygotes.

Submissions (2):

Women's Health and Genetics/Laboratory Corporation of America, LabCorp
Classification: Uncertain significance. Last evaluated: 2026-04-14. Review status: criteria provided, single submitter. Criteria: LabCorp Variant Classification Summary - May 2015. Collection method: clinical testing. Allele origin: germline.
Comment: Variant summary: CFTR c.1999C>T (p.His667Tyr) results in a conservative amino acid change in the encoded protein sequence. Algorithms developed to predict the effect of missense changes on protein structure and function are either unavailable or do not agree on the potential impact of this missense change. The variant allele was found at a frequency of 4e-06 in 250140 control chromosomes (gnomAD). The available data on variant occurrences in the general population are insufficient to allow any conclusion about variant significance. c.1999C>T has been observed in an individual affected with Chronic Pancreatitis (Rosendahl_2013). These data do not allow any conclusion about variant significance. To our knowledge, no experimental evidence demonstrating an impact on protein function has been reported. The following publication has been ascertained in the context of this evaluation (PMID: 22427236). ClinVar contains an entry for this variant (Variation ID: 2562531). Based on the evidence outlined above, the variant was classified as uncertain significance.

Ambry Genetics
Classification: Uncertain significance for Cystic fibrosis. Last evaluated: 2023-04-21. Review status: criteria provided, single submitter. Criteria: Ambry Variant Classification Scheme 2023. Collection method: clinical testing. Allele origin: germline.
Comment: The p.H667Y variant (also known as c.1999C>T), located in coding exon 14 of the CFTR gene, results from a C to T substitution at nucleotide position 1999. The histidine at codon 667 is replaced by tyrosine, an amino acid with similar properties. This alteration was identified in an individual diagnosed with pancreatitis. The individual also carried the 5T alteration however the phase of these alterations was not documented (Rosendahl J et al. Gut, 2013 Apr;62:582-92). This amino acid position is highly conserved in available vertebrate species. In addition, the in silico prediction for this alteration is inconclusive. Since supporting evidence is limited at this time, the clinical significance of this alteration remains unclear.

Literature cited by the submitters: PubMed 22427236 (cited by Women's Health and Genetics/Laboratory Corporation of America, LabCorp and Ambry Genetics).